The following is an entry in ClinVar:

ClinVar aggregate classification (germline): Uncertain significance (1 of 4 stars; one submission).

Submission:

Labcorp Genetics (formerly Invitae), Labcorp
Classification: Uncertain significance. Last evaluated: 2022-07-19. Review status: criteria provided, single submitter. Criteria: Invitae Variant Classification Sherloc (09022015). Collection method: clinical testing. Allele origin: germline.
Comment: This variant has not been reported in the literature in individuals affected with FAT4-related conditions. Advanced modeling of protein sequence and biophysical properties (such as structural, functional, and spatial information, amino acid conservation, physicochemical variation, residue mobility, and thermodynamic stability) performed at Invitae indicates that this missense variant is not expected to disrupt FAT4 protein function. In summary, the available evidence is currently insufficient to determine the role of this variant in disease. Therefore, it has been classified as a Variant of Uncertain Significance. This variant is not present in population databases (gnomAD no frequency). This sequence change replaces isoleucine, which is neutral and non-polar, with valine, which is neutral and non-polar, at codon 682 of the FAT4 protein (p.Ile682Val).

NM_001291303.3(FAT4):c.2044A>G (p.Ile682Val)

Gene: FAT4 (FAT atypical cadherin 4; plus strand). Cytogenetic location: 4q28.1.
Variant type: single nucleotide variant.
Coding change: c.2044A>G on transcript NM_001291303.3 (MANE Select); coding-DNA position 2044, A replaced by G.
Protein change: p.Ile682Val; replaces isoleucine 682 with valine.
Molecular consequence: missense variant.
Genome position (GRCh38, 1-based): chr4:125,318,455, A>G. VCF-style: chr4-125318455-A-G. GRCh37 (hg19) VCF-style: chr4-126239610-A-G.
Other names: c.2044A>G, p.Ile682Val (NM_001291285.3, NM_024582.6); short protein forms I682V.
Identifiers: ClinVar variation 2005945 (VCV002005945.4), dbSNP rs2530432465, ClinGen allele CA358119467.